The following is an entry in ClinVar:

NM_001613.4(ACTA2):c.932T>C (p.Ile311Thr)

Genes: ACTA2 (actin alpha 2, smooth muscle; minus strand), ACTA2-AS1 (ACTA2 antisense RNA 1; plus strand). Cytogenetic location: 10q23.31.
Variant type: single nucleotide variant.
Coding change: c.932T>C on transcript NM_001613.4 (MANE Select); coding-DNA position 932, T replaced by C.
Protein change: p.Ile311Thr; replaces isoleucine 311 with threonine.
Molecular consequence: missense variant.
Genome position (GRCh38, 1-based): chr10:88,938,119, A>G on the plus strand (T>C on the coding strand, the complement: ACTA2 is on the minus strand). VCF-style: chr10-88938119-A-G. GRCh37 (hg19) VCF-style: chr10-90697876-A-G.
Other names: c.932T>C, p.Ile311Thr (NM_001141945.3, NM_001320855.2, NM_001406462.1 and 2 more transcripts); c.821T>C, p.Ile274Thr (NM_001406466.1); c.803T>C, p.Ile268Thr (NM_001406467.1, NM_001406468.1, NM_001406469.1); c.740T>C, p.Ile247Thr (NM_001406471.1); short protein forms I247T, I311T, I274T, I268T.
Identifiers: ClinVar variation 4741927 (VCV004741927.1).

ClinVar aggregate classification (germline): Uncertain significance (1 of 4 stars; one submission).

Conditions:
Aortic aneurysm, familial thoracic 6 (AAT6). Also called: FAMILIAL THORACIC AORTIC ANEURYSM WITH LIVEDO RETICULARIS AND IRIS FLOCCULI. Identifiers: MedGen C2673186, MONDO:0012730, OMIM 611788.

Submission:

Labcorp Genetics (formerly Invitae), Labcorp
Classification: Uncertain significance for Aortic aneurysm, familial thoracic 6. Last evaluated: 2025-03-07. Review status: criteria provided, single submitter. Criteria: Invitae Variant Classification Sherloc (09022015). Collection method: clinical testing. Allele origin: germline.
Comment: This sequence change replaces isoleucine, which is neutral and non-polar, with threonine, which is neutral and polar, at codon 311 of the ACTA2 protein (p.Ile311Thr). This variant is not present in population databases (gnomAD no frequency). This variant has not been reported in the literature in individuals affected with ACTA2-related conditions. Invitae Evidence Modeling of protein sequence and biophysical properties (such as structural, functional, and spatial information, amino acid conservation, physicochemical variation, residue mobility, and thermodynamic stability) indicates that this missense variant is not expected to disrupt ACTA2 protein function with a negative predictive value of 80%. In summary, the available evidence is currently insufficient to determine the role of this variant in disease. Therefore, it has been classified as a Variant of Uncertain Significance.